The following is an entry in ClinVar:

ClinVar aggregate classification (germline): Likely benign (0 of 4 stars; one submission).

Conditions:
SHANK3-related disorder. Also called: SHANK3-related condition.

Allele frequency attached by ClinVar (database versions not stated): gnomAD exomes 0.00329; 1000 Genomes Project 30x 0.01499.

Submission:

PreventionGenetics, part of Exact Sciences
Classification: Likely benign for SHANK3-related condition. Last evaluated: 2021-04-22. Review status: no assertion criteria provided. Collection method: clinical testing. Allele origin: germline.
Comment: This variant is classified as likely benign based on ACMG/AMP sequence variant interpretation guidelines (Richards et al. 2015 PMID: 25741868, with internal and published modifications).

NM_001372044.2(SHANK3):c.*29T>G

Gene: SHANK3 (SH3 and multiple ankyrin repeat domains 3; plus strand). Cytogenetic location: 22q13.33.
Variant type: single nucleotide variant.
Coding change: c.*29T>G on transcript NM_001372044.2 (MANE Select); 29 bases downstream of the stop codon, T replaced by G.
Molecular consequence: 3 prime UTR variant.
Genome position (GRCh38, 1-based): chr22:50,731,341, T>G. VCF-style: chr22-50731341-T-G. GRCh37 (hg19) VCF-style: chr22-51169769-T-G.
Other names: c.*29T>G (NM_033517.1).
Identifiers: ClinVar variation 3037989 (VCV003037989.2), dbSNP rs2083363567, ClinGen allele CA1026676315.